The following is an entry in ClinVar:

ClinVar aggregate classification (germline): Conflicting classifications of pathogenicity. Review status: criteria provided, conflicting classifications (1 of 4 stars). 3 submissions from 3 submitters: Uncertain significance (2); Benign (1). Last evaluated 2026-10-11.

Conditions:
Macrothrombocytopenia and granulocyte inclusions with or without nephritis or sensorineural hearing loss (MATINS). Also called: BLEEDING DISORDER, PLATELET-TYPE, 6; MAY-HEGGLIN ANOMALY; DOHLE LEUKOCYTE INCLUSIONS WITH GIANT PLATELETS; MACROTHROMBOCYTOPENIA WITH LEUKOCYTE INCLUSIONS; MYH9-Related Disease (MYH9-RD); SEBASTIAN PLATELET SYNDROME. Identifiers: Orphanet 182050, MedGen C5200934, MONDO:0015912, OMIM 155100.
Autosomal dominant nonsyndromic hearing loss 17. Also called: Autosomal dominant nonsyndromic deafness 17; Deafness, autosomal dominant 17. Identifiers: Orphanet 90635, MedGen C1863659, MONDO:0011350, OMIM 603622.

Allele frequency attached by ClinVar (database versions not stated): gnomAD 0.00003; gnomAD exomes below 0.00001 and 0.00002; ExAC 0.00002; TOPMed 0.00003; ESP Exome Variant Server 0.00008.
gnomAD v4.1: 8 of 1,613,912 alleles (0.0005%); highest among the groups gnomAD compares: African/African-American, 0.011%; no homozygotes.

Submissions (3):

GeneDx
Classification: Uncertain significance. Last evaluated: 2026-10-11. Review status: criteria provided, single submitter. Criteria: GeneDx Variant Classification Process June 2021. Collection method: clinical testing. Allele origin: germline.
Comment: In silico analysis suggests that this missense variant does not alter protein structure/function; Has not been previously published as pathogenic or benign to our knowledge

Labcorp Genetics (formerly Invitae), Labcorp
Classification: Benign. Last evaluated: 2025-06-18. Review status: criteria provided, single submitter. Criteria: Invitae Variant Classification Sherloc (09022015). Collection method: clinical testing. Allele origin: germline.

Fulgent Genetics
Classification: Uncertain significance for Macrothrombocytopenia and granulocyte inclusions with or without nephritis or sensorineural hearing loss; Autosomal dominant nonsyndromic hearing loss 17. Last evaluated: 2021-11-02. Review status: criteria provided, single submitter. Criteria: ACMG Guidelines, 2015. Collection method: clinical testing. Allele origin: unknown.

NM_002473.6(MYH9):c.4079C>G (p.Ala1360Gly)

Gene: MYH9 (myosin heavy chain 9; minus strand). Cytogenetic location: 22q12.3.
Variant type: single nucleotide variant.
Coding change: c.4079C>G on transcript NM_002473.6 (MANE Select); coding-DNA position 4079, C replaced by G.
Protein change: p.Ala1360Gly; replaces alanine 1360 with glycine.
Molecular consequence: missense variant.
Genome position (GRCh38, 1-based): chr22:36,293,345, G>C on the plus strand (C>G on the coding strand, the complement: MYH9 is on the minus strand). VCF-style: chr22-36293345-G-C. GRCh37 (hg19) VCF-style: chr22-36689391-G-C.
Other names: short protein forms A1360G.
Identifiers: ClinVar variation 1200464 (VCV001200464.6), dbSNP rs373384951, ClinGen allele CA10209476.